The following is an entry in ClinVar:

NC_000023.10:g.(?_122616630)_(122616895_?)dup

Gene: GRIA3 (glutamate ionotropic receptor AMPA type subunit 3; plus strand). Cytogenetic location: Xq25.
Variant type: Duplication.
Identifiers: ClinVar variation 2423413 (VCV002423413.4).

ClinVar aggregate classification (germline): Uncertain significance (1 of 4 stars; one submission).

Submission:

Labcorp Genetics (formerly Invitae), Labcorp
Classification: Uncertain significance. Last evaluated: 2021-11-02. Review status: criteria provided, single submitter. Criteria: Invitae Variant Classification Sherloc (09022015). Collection method: clinical testing. Allele origin: germline.
Comment: In summary, the available evidence is currently insufficient to determine the role of this variant in disease. Therefore, it has been classified as a Variant of Uncertain Significance. This variant results in a copy number gain of the genomic region encompassing exon(s) 15 of the GRIA3 gene. This region includes the termination codon of the gene. This copy number gain extends beyond the assayed region for this gene and therefore may encompass additional genes. As the precise location of this event is unknown, it may be in tandem or it may be located elsewhere in the genome. This variant has not been reported in the literature in individuals affected with GRIA3-related conditions. Experimental studies and prediction algorithms are not available or were not evaluated, and the functional significance of this variant is currently unknown.